The following is an entry in ClinVar:

ClinVar aggregate classification (germline): Uncertain significance (1 of 4 stars; one submission).

Allele frequency attached by ClinVar (database versions not stated): TOPMed below 0.00001; gnomAD 0.00001; gnomAD exomes below 0.00001.
gnomAD v4.1: 8 of 1,614,010 alleles (0.0005%); highest among the groups gnomAD compares: East Asian, 0.013%; no homozygotes.

Submission:

Labcorp Genetics (formerly Invitae), Labcorp
Classification: Uncertain significance. Last evaluated: 2026-01-06. Review status: criteria provided, single submitter. Criteria: Invitae Variant Classification Sherloc (09022015). Collection method: clinical testing. Allele origin: germline.
Comment: This sequence change replaces phenylalanine, which is neutral and non-polar, with leucine, which is neutral and non-polar, at codon 939 of the CAMTA1 protein (p.Phe939Leu). This variant is present in population databases (no rsID available, gnomAD 0.02%). This variant has not been reported in the literature in individuals affected with CAMTA1-related conditions. ClinVar contains an entry for this variant (Variation ID: 2876636). Invitae Evidence Modeling of protein sequence and biophysical properties (such as structural, functional, and spatial information, amino acid conservation, physicochemical variation, residue mobility, and thermodynamic stability) indicates that this missense variant is not expected to disrupt CAMTA1 protein function with a negative predictive value of 80%. In summary, the available evidence is currently insufficient to determine the role of this variant in disease. Therefore, it has been classified as a Variant of Uncertain Significance.

NM_015215.4(CAMTA1):c.2817C>A (p.Phe939Leu)

Gene: CAMTA1 (calmodulin binding transcription activator 1; plus strand). Cytogenetic location: 1p36.23.
Variant type: single nucleotide variant.
Coding change: c.2817C>A on transcript NM_015215.4 (MANE Select); coding-DNA position 2817, C replaced by A.
Protein change: p.Phe939Leu; replaces phenylalanine 939 with leucine.
Molecular consequence: missense variant. On other transcripts: 5 prime UTR variant (6).
Genome position (GRCh38, 1-based): chr1:7,677,636, C>A. VCF-style: chr1-7677636-C-A. GRCh37 (hg19) VCF-style: chr1-7737696-C-A.
Other names: c.2727C>A, p.Phe909Leu (NM_001349608.2, NM_001349612.2); c.2817C>A, p.Phe939Leu (NM_001349609.2, NM_001349610.2, NM_001410737.1); c.-112C>A (NM_001349614.1, NM_001349617.1, NM_001349620.1 and 3 more transcripts); c.2745C>A, p.Phe915Leu (NM_001410738.1); short protein forms F909L, F915L, F939L.
Identifiers: ClinVar variation 2876636 (VCV002876636.3), dbSNP rs1339518634, ClinGen allele CA338124305.